The following is an entry in ClinVar:

NM_004999.4(MYO6):c.3818C>T (p.Pro1273Leu)

Gene: MYO6 (myosin VI; plus strand). Cytogenetic location: 6q14.1.
Variant type: single nucleotide variant.
Coding change: c.3818C>T on transcript NM_004999.4 (MANE Select); coding-DNA position 3818, C replaced by T.
Protein change: p.Pro1273Leu; replaces proline 1273 with leucine.
Molecular consequence: missense variant. On other transcripts: non-coding transcript variant (1).
Genome position (GRCh38, 1-based): chr6:75,914,972, C>T. VCF-style: chr6-75914972-C-T. GRCh37 (hg19) VCF-style: chr6-76624689-C-T.
Other names: c.3749C>T, p.Pro1250Leu (NM_001300899.2); c.3722C>T, p.Pro1241Leu (NM_001368136.1); c.3779C>T, p.Pro1260Leu (NM_001368137.1); c.3734C>T, p.Pro1245Leu (NM_001368138.1); c.3845C>T, p.Pro1282Leu (NM_001368865.1); c.3818C>T, p.Pro1273Leu (NM_001368866.1); short protein forms P1241L, P1245L, P1250L, P1260L, P1273L, P1282L.
Identifiers: ClinVar variation 1308605 (VCV001308605.2), dbSNP rs142424695, ClinGen allele CA3897820.
Genomic context (GRCh38, chr6:75,914,972, plus strand): 5'-GGGAACGCTGTGGAGGCATCCAGTACCTTCAGAATGCGATTGAGAGCAGACAGGCTCGGC[C>T]CACCTATGCAACAGCCATGCTGCAGAGTCTGTTAAAGTAGATGTTGCACACCAGCCTTAC-3'
Protein context (NP_004990.3, residues 1263-1283): QNAIESRQAR[Pro1273Leu]TYATAMLQSL

ClinVar aggregate classification (germline): Uncertain significance (1 of 4 stars; one submission).

Allele frequency attached by ClinVar (database versions not stated): gnomAD exomes below 0.00001; TOPMed below 0.00001; ExAC 0.00001; ESP Exome Variant Server 0.00008.
gnomAD v4.1: 3 of 1,613,718 alleles (0.00019%); highest among the groups gnomAD compares: Non-Finnish European, 0.00025%; no homozygotes.

Submission:

GeneDx
Classification: Uncertain significance. Last evaluated: 2019-04-11. Review status: criteria provided, single submitter. Criteria: GeneDx Variant Classification Process June 2021. Collection method: clinical testing. Allele origin: germline. Affected: yes.
Comment: In silico analysis, which includes protein predictors and evolutionary conservation, supports that this variant does not alter protein structure/function; Has not been previously published as pathogenic or benign to our knowledge